The following is an entry in ClinVar:

NM_000036.3(AMPD1):c.520T>C (p.Trp174Arg)

Gene: AMPD1 (adenosine monophosphate deaminase 1; minus strand). Cytogenetic location: 1p13.2.
Variant type: single nucleotide variant.
Coding change: c.520T>C on transcript NM_000036.3 (MANE Select); coding-DNA position 520, T replaced by C.
Protein change: p.Trp174Arg; replaces tryptophan 174 with arginine.
Molecular consequence: missense variant.
Genome position (GRCh38, 1-based): chr1:114,684,226, A>G on the plus strand (T>C on the coding strand, the complement: AMPD1 is on the minus strand). VCF-style: chr1-114684226-A-G. GRCh37 (hg19) VCF-style: chr1-115226847-A-G.
Other names: c.619T>C (NM_000036.2); c.508T>C, p.Trp170Arg (NM_001172626.2); short protein forms W170R, W174R.
Identifiers: ClinVar variation 2179445 (VCV002179445.5), dbSNP rs370236380, ClinGen allele CA1020413.

ClinVar aggregate classification (germline): Uncertain significance. Review status: criteria provided, multiple submitters, no conflicts (2 of 4 stars). 2 submissions from 2 submitters: Uncertain significance (2). Last evaluated 2024-03-11.

Conditions:
Inborn genetic diseases. Identifiers: MedGen C0950123, MeSH D030342.
Muscle AMP deaminase deficiency (MMDD). Also called: Myoadenylate deaminase deficiency, myopathy due to; AMPD1 DEFICIENCY; ADENOSINE MONOPHOSPHATE DEAMINASE-1 DEFICIENCY, MYOPATHY DUE TO; Adenosine monophosphate deaminase 1 deficiency; AMP deaminase 1 deficiency; Adenosine Monophosphate Deaminase 1. Identifiers: Orphanet 45, MedGen C3714933, MONDO:0014220, OMIM 615511.

Allele frequency attached by ClinVar (database versions not stated): gnomAD 0.00001; ExAC 0.00002; TOPMed 0.00002; ESP Exome Variant Server 0.00015.
gnomAD v4.1: 24 of 1,614,090 alleles (0.0015%); highest among the groups gnomAD compares: Non-Finnish European, 0.0019%; no homozygotes.

Submissions (2):

Ambry Genetics
Classification: Uncertain significance for Inborn genetic diseases. Last evaluated: 2024-03-11. Review status: criteria provided, single submitter. Criteria: Ambry Variant Classification Scheme 2023. Collection method: clinical testing. Allele origin: germline.

Labcorp Genetics (formerly Invitae), Labcorp
Classification: Uncertain significance for Muscle AMP deaminase deficiency. Last evaluated: 2022-04-13. Review status: criteria provided, single submitter. Criteria: Invitae Variant Classification Sherloc (09022015). Collection method: clinical testing. Allele origin: germline.
Comment: This sequence change replaces tryptophan, which is neutral and slightly polar, with arginine, which is basic and polar, at codon 207 of the AMPD1 protein (p.Trp207Arg). This variant is present in population databases (rs370236380, gnomAD 0.004%). This variant has not been reported in the literature in individuals affected with AMPD1-related conditions. Algorithms developed to predict the effect of missense changes on protein structure and function (SIFT, PolyPhen-2, Align-GVGD) all suggest that this variant is likely to be tolerated. In summary, the available evidence is currently insufficient to determine the role of this variant in disease. Therefore, it has been classified as a Variant of Uncertain Significance.